The following is an entry in ClinVar:

NM_002471.4(MYH6):c.2161del (p.Arg721fs)

Gene: MYH6 (myosin heavy chain 6; minus strand). Cytogenetic location: 14q11.2.
Variant type: Deletion.
Coding change: c.2161del on transcript NM_002471.4 (MANE Select); coding-DNA position 2161, one base deleted (C; older notation c.2161delC).
Protein change: p.Arg721fs; shifts the reading frame from arginine 721.
Molecular consequence: frameshift variant.
Genome position (GRCh38, 1-based): chr14:23,396,970, G deleted on the plus strand (C on the coding strand, the reverse complement: MYH6 is on the minus strand); the first of 2 consecutive G bases (chr14:23,396,970-23,396,971); deleting either gives the same sequence. VCF-style (leftmost placement, unchanged base first): chr14-23396969-CG-C. GRCh37 (hg19) VCF-style: chr14-23866178-CG-C.
Other names: c.2161delC (NM_002471.3); short protein forms R721fs.
Identifiers: ClinVar variation 3222328 (VCV003222328.1), dbSNP rs1186253160, ClinGen allele CA613317930.
Genomic context (GRCh38, chr14:23,396,969, plus strand): 5'-CAGGGCAGCCTGGCTCCCCCTGTTCTATGAGCTCTGGGGCACCCTCATACCCACCTCTGC[CG>C]GAAGTCCCCGTAGAGGATGCGGTTGGGGAAGCCCTTCCTGCAGATGCGGATGCCCTCCAG-3'

ClinVar aggregate classification (germline): Uncertain significance (1 of 4 stars; one submission).

Conditions:
Cardiovascular phenotype. Identifiers: MedGen CN230736.

Submission:

Ambry Genetics
Classification: Uncertain significance for Cardiovascular phenotype. Last evaluated: 2023-09-15. Review status: criteria provided, single submitter. Criteria: Ambry Variant Classification Scheme 2023. Collection method: clinical testing. Allele origin: germline.
Comment: The c.2161delC variant, located in coding exon 16 of the MYH6 gene, results from a deletion of one nucleotide at nucleotide position 2161, causing a translational frameshift with a predicted alternate stop codon (p.R721Gfs*7). This alteration is expected to result in protein truncation or nonsense-mediated mRNA decay. However, loss of function of MYH6 has not been established as a mechanism of disease. Since supporting evidence is limited at this time, the clinical significance of this alteration remains unclear.